The following is an entry in ClinVar:

ClinVar aggregate classification (germline): Likely benign. Review status: criteria provided, multiple submitters, no conflicts (2 of 4 stars). 2 submissions from 2 submitters: Likely benign (2). Last evaluated 2025-09-26.

Conditions:
VPS13B-related disorder. Also called: VPS13B-related condition.
Cohen syndrome (COH1). Also called: Cutis verticis gyrata, retinitis pigmentosa, and sensorineural deafness; PEPPER SYNDROME. Identifiers: Orphanet 193, MedGen C0265223, MONDO:0008999, OMIM 216550.

Allele frequency attached by ClinVar (database versions not stated): TOPMed 0.00001.

Submissions (2):

PreventionGenetics, part of Exact Sciences
Classification: Likely benign for VPS13B-related condition. Last evaluated: 2025-09-26. Review status: criteria provided, single submitter. Criteria: ACMG Guidelines, 2015. Collection method: clinical testing. Allele origin: germline.
Comment: This variant is classified as likely benign based on ACMG/AMP sequence variant interpretation guidelines (Richards et al. 2015 PMID: 25741868, with internal and published modifications).

Labcorp Genetics (formerly Invitae), Labcorp
Classification: Likely benign for Cohen syndrome. Last evaluated: 2022-09-13. Review status: criteria provided, single submitter. Criteria: Invitae Variant Classification Sherloc (09022015). Collection method: clinical testing. Allele origin: germline.

NM_152564.5(VPS13B):c.1425+9G>T

Gene: VPS13B (vacuolar protein sorting 13 homolog B; plus strand). Cytogenetic location: 8q22.2.
Variant type: single nucleotide variant.
Coding change: c.1425+9G>T on transcript NM_152564.5 (MANE Select); 9 bases into the intron after coding-DNA position 1425, G replaced by T.
Molecular consequence: intron variant.
Genome position (GRCh38, 1-based): chr8:99,135,146, G>T. VCF-style: chr8-99135146-G-T. GRCh37 (hg19) VCF-style: chr8-100147374-G-T.
Other names: c.1425+9G>T (NM_017890.5, NM_015243.3, NM_152564.4).
Identifiers: ClinVar variation 1537017 (VCV001537017.9), dbSNP rs551460373, ClinGen allele CA182900260.
Genomic context (GRCh38, chr8:99,135,146, plus strand): 5'-AGGAATTATGGGTGTTAAAGATTTTGAAGAGAATATGAATAGAAGTGAAACTGTAAGTCC[G>T]TTTCCTCCATCCTTTTTTGGATAGGATATAGGAATAATTAAGTGCTTACTGAAGTGTTTA-3'